The following is an entry in ClinVar:

ClinVar aggregate classification (germline): Likely benign. Review status: criteria provided, multiple submitters, no conflicts (2 of 4 stars). 2 submissions from 2 submitters: Likely benign (2). Last evaluated 2025-11-01.

Conditions:
Myopathy, proximal, and ophthalmoplegia (CMYO6). Also called: MYOPATHY WITH CONGENITAL JOINT CONTRACTURES, OPHTHALMOPLEGIA, AND RIMMED VACUOLES; INCLUSION BODY MYOPATHY 3, AUTOSOMAL DOMINANT; CONGENITAL MYOPATHY 6 WITH OPHTHALMOPLEGIA. Identifiers: Orphanet 363677, Orphanet 79091, MedGen C1854106, MONDO:0011577, OMIM 605637.

gnomAD v4.1: 2 of 1,614,060 alleles (0.00012%); highest among the groups gnomAD compares: Non-Finnish European, 0.00017%; no homozygotes.

Submissions (2):

CeGaT Center for Human Genetics Tuebingen
Classification: Likely benign. Last evaluated: 2025-11-01. Review status: criteria provided, single submitter. Criteria: CeGaT Center For Human Genetics Tuebingen Variant Classification Criteria Version 2. Collection method: clinical testing. Allele origin: germline. Affected: yes. Observed: 1 variant allele.
Comment: MYH2: BP4, BP7

Labcorp Genetics (formerly Invitae), Labcorp
Classification: Likely benign for Myopathy, proximal, and ophthalmoplegia. Last evaluated: 2025-02-03. Review status: criteria provided, single submitter. Criteria: Invitae Variant Classification Sherloc (09022015). Collection method: clinical testing. Allele origin: germline.

NM_017534.6(MYH2):c.153C>A (p.Thr51=)

Genes: MYH2 (myosin heavy chain 2; minus strand), MYHAS (myosin heavy chain gene cluster antisense RNA; plus strand). Cytogenetic location: 17p13.1.
Variant type: single nucleotide variant.
Coding change: c.153C>A on transcript NM_017534.6 (MANE Select); coding-DNA position 153, C replaced by A.
Protein change: p.Thr51=; no amino-acid change (threonine 51 retained).
Molecular consequence: synonymous variant.
Genome position (GRCh38, 1-based): chr17:10,547,768, G>T on the plus strand (C>A on the coding strand, the complement: MYH2 is on the minus strand). VCF-style: chr17-10547768-G-T. GRCh37 (hg19) VCF-style: chr17-10451085-G-T.
Other names: c.153C>A, p.Thr51= (NM_001100112.2).
Identifiers: ClinVar variation 4535280 (VCV004535280.7).
Genomic context (GRCh38, chr17:10,547,768, plus strand): 5'-TCTACTCACCGCTCCTCCCTCAGTCTTCACCGTCACTTTTCCTCCTTCTCTGCTCTGGAT[G>T]GTCCCTTTGACAAAGGATTCTTTGGGCTCCGCCACAAAGACAGATGTTTTGGCATCAAAG-3'
Protein context (NP_060004.3, residues 41-61): AEPKESFVKG[Thr51=]IQSREGGKVT